The following is an entry in ClinVar:

NM_017827.4(SARS2):c.17C>T (p.Ala6Val)

Genes: SARS2 (seryl-tRNA synthetase 2, mitochondrial; minus strand), LOC130064387 (ATAC-STARR-seq lymphoblastoid active region 14604; plus strand). Cytogenetic location: 19q13.2.
Variant type: single nucleotide variant.
Coding change: c.17C>T on transcript NM_017827.4 (MANE Select); coding-DNA position 17, C replaced by T.
Protein change: p.Ala6Val; replaces alanine 6 with valine.
Molecular consequence: missense variant.
Genome position (GRCh38, 1-based): chr19:38,930,720, G>A on the plus strand (C>T on the coding strand, the complement: SARS2 is on the minus strand). VCF-style: chr19-38930720-G-A. GRCh37 (hg19) VCF-style: chr19-39421360-G-A.
Other names: c.17C>T, p.Ala6Val (NM_001145901.2); short protein forms A6V.
Identifiers: ClinVar variation 1420911 (VCV001420911.32), dbSNP rs201988841, ClinGen allele CA323865.
Genomic context (GRCh38, chr19:38,930,720, plus strand): 5'-GAGATGCAGCCTCCCCGGGGCCGGAACCCCCGACGAGTCAGCAAAGGCCACAAGCGCCGC[G>A]CCATGGACGCAGCCATCTTGGACCGGGAACAAGGCGGCACTTCGTCCCGCCCACTCCGCG-3'
Protein context (NP_060297.1, residues 1-16): MAASM[Ala6Val]RRLWPLLTRR

ClinVar aggregate classification (germline): Conflicting classifications of pathogenicity. Review status: criteria provided, conflicting classifications (1 of 4 stars). 4 submissions from 4 submitters: Uncertain significance (3); Likely benign (1). Last evaluated 2024-04-17.

Conditions:
Hyperuricemia, pulmonary hypertension, renal failure, alkalosis syndrome (HUPRAS). Also called: HUPRA SYNDROME; HYPERURICEMIA, PULMONARY HYPERTENSION, RENAL FAILURE, AND ALKALOSIS SYNDROME. Identifiers: Orphanet 363694, MedGen C3151209, MONDO:0013458, OMIM 613845.

Allele frequency attached by ClinVar (database versions not stated): ExAC 0.00019; TOPMed 0.00020; gnomAD exomes 0.00021 and 0.00033; ESP Exome Variant Server 0.00023; gnomAD 0.00027 and 0.00029.
gnomAD v4.1: 509 of 1,613,354 alleles (0.032%); highest among the groups gnomAD compares: Non-Finnish European, 0.042%; no homozygotes.

Submissions (5):

Fulgent Genetics
Classification: Uncertain significance for Hyperuricemia, pulmonary hypertension, renal failure, alkalosis syndrome. Last evaluated: 2024-04-17. Review status: criteria provided, single submitter. Criteria: ACMG Guidelines, 2015. Collection method: clinical testing. Allele origin: germline.

CeGaT Center for Human Genetics Tuebingen
Classification: Likely benign. Last evaluated: 2022-11-01. Review status: criteria provided, single submitter. Criteria: CeGaT Center For Human Genetics Tuebingen Variant Classification Criteria Version 2. Collection method: clinical testing. Allele origin: germline. Affected: yes. Observed: 1 variant allele.
Comment: SARS2: BP4

Labcorp Genetics (formerly Invitae), Labcorp
Classification: Uncertain significance. Last evaluated: 2022-06-08. Review status: criteria provided, single submitter. Criteria: Invitae Variant Classification Sherloc (09022015). Collection method: clinical testing. Allele origin: germline.
Comment: This sequence change replaces alanine, which is neutral and non-polar, with valine, which is neutral and non-polar, at codon 6 of the SARS2 protein (p.Ala6Val). This variant is present in population databases (rs201988841, gnomAD 0.04%). This variant has not been reported in the literature in individuals affected with SARS2-related conditions. Algorithms developed to predict the effect of missense changes on protein structure and function output the following: SIFT: "Tolerated"; PolyPhen-2: "Benign"; Align-GVGD: "Class C0". The valine amino acid residue is found in multiple mammalian species, which suggests that this missense change does not adversely affect protein function. Algorithms developed to predict the effect of sequence changes on RNA splicing suggest that this variant may create or strengthen a splice site. In summary, the available evidence is currently insufficient to determine the role of this variant in disease. Therefore, it has been classified as a Variant of Uncertain Significance.

Revvity Omics, Revvity
Classification: Uncertain significance for Hyperuricemia, pulmonary hypertension, renal failure, alkalosis syndrome. Last evaluated: 2021-05-08. Review status: criteria provided, single submitter. Criteria: ACMG Guidelines, 2015. Collection method: clinical testing. Allele origin: germline.

Dr. Peter K. Rogan Lab, Western University
No classification provided (evidence only). Condition: Familial cancer of breast. Review status: no classification provided. Collection method: in vitro. Allele origin: not applicable. Functional consequence: retained intron. Not counted in ClinVar's aggregate classification.